The following is an entry in ClinVar:

ClinVar aggregate classification (germline): Uncertain significance (1 of 4 stars; one submission).

Submission:

GeneDx
Classification: Uncertain significance. Last evaluated: 2023-07-17. Review status: criteria provided, single submitter. Criteria: GeneDx Variant Classification Process June 2021. Collection method: clinical testing. Allele origin: germline. Affected: yes.
Comment: Not observed at significant frequency in large population cohorts (gnomAD); Frameshift variant predicted to result in protein truncation as the last 165 amino acids are replaced with 1 different amino acids, although loss-of-function variants have not been reported downstream of this position in the protein; Has not been previously published as pathogenic or benign to our knowledge

NM_015570.4(AUTS2):c.3283del (p.Leu1095fs)

Gene: AUTS2 (activator of transcription and developmental regulator AUTS2; plus strand). Cytogenetic location: 7q11.22.
Variant type: Deletion.
Coding change: c.3283del on transcript NM_015570.4 (MANE Select); coding-DNA position 3283, one base deleted (C; older notation c.3283delC).
Protein change: p.Leu1095fs; shifts the reading frame from leucine 1095.
Molecular consequence: frameshift variant.
Genome position (GRCh38, 1-based): chr7:70,790,499, C deleted; the last of 2 consecutive C bases (chr7:70,790,498-70,790,499); deleting either gives the same sequence. VCF-style (leftmost placement, unchanged base first): chr7-70790497-TC-T. GRCh37 (hg19) VCF-style: chr7-70255483-TC-T.
Other names: c.3211del, p.Leu1071fs (NM_001127231.3); short protein forms L1071fs, L1095fs.
Identifiers: ClinVar variation 3360945 (VCV003360945.1).